The following is an entry in ClinVar:

NM_052845.4(MMAB):c.*625G>C

Gene: MMAB (metabolism of cobalamin associated B; minus strand). Cytogenetic location: 12q24.11.
Variant type: single nucleotide variant.
Coding change: c.*625G>C on transcript NM_052845.4 (MANE Select); 625 bases downstream of the stop codon, G replaced by C.
Molecular consequence: 3 prime UTR variant. On other transcripts: non-coding transcript variant (1).
Genome position (GRCh38, 1-based): chr12:109,556,403, C>G on the plus strand (G>C on the coding strand, the complement: MMAB is on the minus strand). VCF-style: chr12-109556403-C-G. GRCh37 (hg19) VCF-style: chr12-109994208-C-G.
Identifiers: ClinVar variation 307053 (VCV000307053.6), dbSNP rs11067233, ClinGen allele CA6778666.

ClinVar aggregate classification (germline): Benign. Review status: criteria provided, multiple submitters, no conflicts (2 of 4 stars). 2 submissions from 2 submitters: Benign (2). Last evaluated 2018-01-12.

Conditions:
Methylmalonic aciduria, cblB type (MACB). Also called: Vitamin B12-responsive methylmalonic acidemia type cblB; METHYLMALONIC ACIDURIA, VITAMIN B12-RESPONSIVE, DUE TO DEFECT IN SYNTHESIS OF ADENOSYLCOBALAMIN, cblB TYPE; Methylmalonic acidemia cblB type. Identifiers: Orphanet 28, Orphanet 79311, MedGen C1855102, MONDO:0009614, OMIM 251110.

Allele frequency attached by ClinVar (database versions not stated): TOPMed 0.23398; 1000 Genomes Project 0.19589; gnomAD exomes 0.22545 and 0.24595; 1000 Genomes Project 30x 0.19535; ExAC 0.24536; gnomAD 0.24108 and 0.24420.
gnomAD v4.1: 110,968 of 453,852 alleles (24%); highest among the groups gnomAD compares: Middle Eastern, 29%; 14,242 homozygotes.

Submissions (2):

Illumina Laboratory Services, Illumina
Classification: Benign for Methylmalonic aciduria, cblB type. Last evaluated: 2018-01-12. Review status: criteria provided, single submitter. Criteria: ICSL Variant Classification Criteria 13 December 2019. Collection method: clinical testing. Allele origin: germline.
Comment: This variant was observed in the ICSL laboratory as part of a predisposition screen in an ostensibly healthy population. It had not been previously curated by ICSL or reported in the Human Gene Mutation Database (HGMD: prior to June 1st, 2018), and was therefore a candidate for classification through an automated scoring system. Utilizing variant allele frequency, disease prevalence and penetrance estimates, and inheritance mode, an automated score was calculated to assess if this variant is too frequent to cause the disease. Based on the score and internal cut-off values, a variant classified as benign is not then subjected to further curation. The score for this variant resulted in a classification of benign for this disease.

Breakthrough Genomics
Classification: Benign. Review status: criteria provided, single submitter. Criteria: ACMG Guidelines, 2015. Collection method: not provided. Allele origin: germline. Inheritance: Autosomal recessive inheritance. Affected: yes.